The following is an entry in ClinVar:

NM_003482.4(KMT2D):c.1955G>A (p.Arg652His)

Gene: KMT2D (lysine methyltransferase 2D; minus strand). Cytogenetic location: 12q13.12.
Variant type: single nucleotide variant.
Coding change: c.1955G>A on transcript NM_003482.4 (MANE Select); coding-DNA position 1955, G replaced by A.
Protein change: p.Arg652His; replaces arginine 652 with histidine.
Molecular consequence: missense variant.
Genome position (GRCh38, 1-based): chr12:49,051,728, C>T on the plus strand (G>A on the coding strand, the complement: KMT2D is on the minus strand). VCF-style: chr12-49051728-C-T. GRCh37 (hg19) VCF-style: chr12-49445511-C-T.
Other names: c.1955G>A (NM_003482.3); short protein forms R652H.
Identifiers: ClinVar variation 1419104 (VCV001419104.9), dbSNP rs776778856, ClinGen allele CA6548384.

ClinVar aggregate classification (germline): Conflicting classifications of pathogenicity. Review status: criteria provided, conflicting classifications (1 of 4 stars). 2 submissions from 2 submitters: Uncertain significance (1); Benign (1). Last evaluated 2025-07-03.

Conditions:
KMT2D-related disorder. Also called: KMT2D-Related Disorders.
Kabuki syndrome. Also called: Kabuki make-up syndrome; NIIKAWA-KUROKI SYNDROME. Identifiers: Orphanet 2322, MedGen C0796004, MONDO:0016512.

Allele frequency attached by ClinVar (database versions not stated): gnomAD 0.00001; gnomAD exomes 0.00001 and 0.00002; ExAC 0.00004.
gnomAD v4.1: 10 of 1,482,930 alleles (0.00067%); highest among the groups gnomAD compares: Admixed American, 0.0062%; no homozygotes.

Submissions (2):

Labcorp Genetics (formerly Invitae), Labcorp
Classification: Benign for Kabuki syndrome. Last evaluated: 2025-07-03. Review status: criteria provided, single submitter. Criteria: Invitae Variant Classification Sherloc (09022015). Collection method: clinical testing. Allele origin: germline.

PreventionGenetics, part of Exact Sciences
Classification: Uncertain significance for KMT2D-related condition. Last evaluated: 2025-02-06. Review status: criteria provided, single submitter. Criteria: ACMG Guidelines, 2015. Collection method: clinical testing. Allele origin: germline.
Comment: The KMT2D c.1955G>A variant is predicted to result in the amino acid substitution p.Arg652His. This variant was reported in compound heterozygosity with a second variant in an individual with Atrioventricular septum defect (Priest et al. 2016. PubMed ID: 27058611). This variant is reported in 0.0059% of alleles in individuals of East Asian descent in gnomAD. Although we suspect that this variant may be benign, at this time, the clinical significance of this variant is uncertain due to the absence of conclusive functional and genetic evidence.